The following is an entry in ClinVar:

NM_005845.5(ABCC4):c.3918G>C (p.Met1306Ile)

Gene: ABCC4 (ATP binding cassette subfamily C member 4 (PEL blood group); minus strand). Cytogenetic location: 13q32.1.
Variant type: single nucleotide variant.
Coding change: c.3918G>C on transcript NM_005845.5 (MANE Select); coding-DNA position 3918, G replaced by C.
Protein change: p.Met1306Ile; replaces methionine 1306 with isoleucine.
Molecular consequence: missense variant.
Genome position (GRCh38, 1-based): chr13:95,021,635, C>G on the plus strand (G>C on the coding strand, the complement: ABCC4 is on the minus strand). VCF-style: chr13-95021635-C-G. GRCh37 (hg19) VCF-style: chr13-95673889-C-G.
Other names: p.Met1306Ile; c.3777G>C, p.Met1259Ile (NM_001301829.2); short protein forms M1259I, M1306I.
Identifiers: ClinVar variation 4683802 (VCV004683802.1).

ClinVar aggregate classification (germline): Likely benign (1 of 4 stars; one submission).

Submission:

Mayo Clinic Laboratories, Mayo Clinic
Classification: Likely benign. Last evaluated: 2025-01-20. Review status: criteria provided, single submitter. Criteria: ACMG Guidelines, 2015. Collection method: clinical testing. Allele origin: germline. Observed: 2 variant alleles.
Comment: BS1_moderate, BS2_supporting, BP4